The following is an entry in ClinVar:

NM_004415.4(DSP):c.4232G>A (p.Arg1411Lys)

Gene: DSP (desmoplakin; plus strand). Cytogenetic location: 6p24.3.
Variant type: single nucleotide variant.
Coding change: c.4232G>A on transcript NM_004415.4 (MANE Select); coding-DNA position 4232, G replaced by A.
Protein change: p.Arg1411Lys; replaces arginine 1411 with lysine.
Molecular consequence: missense variant. On other transcripts: intron variant (2).
Genome position (GRCh38, 1-based): chr6:7,580,422, G>A. VCF-style: chr6-7580422-G-A. GRCh37 (hg19) VCF-style: chr6-7580655-G-A.
Other names: c.4050+182G>A (NM_001319034.2); c.3582+650G>A (NM_001008844.3); short protein forms R1411K.
Identifiers: ClinVar variation 1878379 (VCV001878379.2), dbSNP rs2533927903, ClinGen allele CA362685848.
Genomic context (GRCh38, chr6:7,580,422, plus strand): 5'-ACCGGGCTCAGATAGACAATCTCACCCGAGAAAACAGGAGCTTATCTGAAGAAATAAAGA[G>A]GCTGAAGAACACTCTAACCCAGACCACAGAGAATCTCAGGAGGGTGGAAGAAGACATCCA-3'
Protein context (NP_004406.2, residues 1401-1421): ENRSLSEEIK[Arg1411Lys]LKNTLTQTTE

ClinVar aggregate classification (germline): Uncertain significance. Review status: criteria provided, multiple submitters, no conflicts (2 of 4 stars). 2 submissions from 2 submitters: Uncertain significance (2). Last evaluated 2024-01-22.

Submissions (2):

GeneDx
Classification: Uncertain significance. Last evaluated: 2024-01-22. Review status: criteria provided, single submitter. Criteria: GeneDx Variant Classification Process June 2021. Collection method: clinical testing. Allele origin: germline. Affected: yes.
Comment: Not observed at significant frequency in large population cohorts (gnomAD); In silico analysis supports that this missense variant does not alter protein structure/function; Has not been previously published as pathogenic or benign to our knowledge

Women's Health and Genetics/Laboratory Corporation of America, LabCorp
Classification: Uncertain significance. Last evaluated: 2022-12-04. Review status: criteria provided, single submitter. Criteria: LabCorp Variant Classification Summary - May 2015. Collection method: clinical testing. Allele origin: germline.